The following is an entry in ClinVar:

NM_000455.5(STK11):c.1239T>A (p.Pro413=)

Gene: STK11 (serine/threonine kinase 11; plus strand). Cytogenetic location: 19p13.3.
Variant type: single nucleotide variant.
Coding change: c.1239T>A on transcript NM_000455.5 (MANE Select); coding-DNA position 1239, T replaced by A.
Protein change: p.Pro413=; no amino-acid change (proline 413 retained).
Molecular consequence: synonymous variant.
Genome position (GRCh38, 1-based): chr19:1,226,584, T>A. VCF-style: chr19-1226584-T-A. GRCh37 (hg19) VCF-style: chr19-1226583-T-A.
Identifiers: ClinVar variation 184199 (VCV000184199.12), dbSNP rs786201330, ClinGen allele CA022526.

ClinVar aggregate classification (germline): Benign/Likely benign. Review status: criteria provided, multiple submitters, no conflicts (2 of 4 stars). 4 submissions from 4 submitters: Benign (1); Likely benign (3). Last evaluated 2025-11-01.

Conditions:
Hereditary cancer-predisposing syndrome. Also called: Tumor predisposition; Hereditary Cancer Syndrome; Hereditary neoplastic syndrome; Neoplastic Syndromes, Hereditary. Identifiers: Orphanet 140162, MedGen C0027672, MeSH D009386, MONDO:0015356.
Peutz-Jeghers syndrome (PJS). Also called: POLYPOSIS, HAMARTOMATOUS INTESTINAL; POLYPS-AND-SPOTS SYNDROME; Peutz-Jeghers polyposis; Periorificial lentiginosis syndrome. Identifiers: Orphanet 2869, MedGen C0031269, MeSH D010580, MONDO:0008280, OMIM 175200.

Submissions (4):

Labcorp Genetics (formerly Invitae), Labcorp
Classification: Likely benign for Peutz-Jeghers syndrome. Last evaluated: 2025-11-01. Review status: criteria provided, single submitter. Criteria: Invitae Variant Classification Sherloc (09022015). Collection method: clinical testing. Allele origin: germline.

Color Diagnostics, LLC DBA Color Health
Classification: Likely benign for Hereditary cancer-predisposing syndrome. Last evaluated: 2025-09-14. Review status: criteria provided, single submitter. Criteria: ACMG Guidelines, 2015. Collection method: clinical testing. Allele origin: germline.

Myriad Genetics, Inc.
Classification: Benign for Peutz-Jeghers syndrome. Last evaluated: 2025-03-31. Review status: criteria provided, single submitter. Criteria: Myriad Autosomal Dominant, Autosomal Recessive and X-Linked Classification Criteria (2023). Collection method: clinical testing. Allele origin: unknown.
Comment: This variant is considered benign. This variant is a silent/synonymous amino acid change and it is not expected to impact splicing.

Ambry Genetics
Classification: Likely benign for Hereditary cancer-predisposing syndrome. Last evaluated: 2020-11-23. Review status: criteria provided, single submitter. Criteria: Ambry Variant Classification Scheme 2023. Collection method: clinical testing. Allele origin: germline.